The following is an entry in ClinVar:

NM_001035.3(RYR2):c.8261A>C (p.Gln2754Pro)

Gene: RYR2 (ryanodine receptor 2; plus strand). Cytogenetic location: 1q43.
Variant type: single nucleotide variant.
Coding change: c.8261A>C on transcript NM_001035.3 (MANE Select); coding-DNA position 8261, A replaced by C.
Protein change: p.Gln2754Pro; replaces glutamine 2754 with proline.
Molecular consequence: missense variant.
Genome position (GRCh38, 1-based): chr1:237,660,037, A>C. VCF-style: chr1-237660037-A-C. GRCh37 (hg19) VCF-style: chr1-237823337-A-C.
Other names: short protein forms Q2754P.
Identifiers: ClinVar variation 3069376 (VCV003069376.1), dbSNP rs2547114295, ClinGen allele CA345401422.

ClinVar aggregate classification (germline): Uncertain significance (1 of 4 stars; one submission).

Conditions:
Catecholaminergic polymorphic ventricular tachycardia (CVPT). Also called: Catecholamine-induced polymorphic ventricular tachycardia. Identifiers: Orphanet 3286, MedGen C5574922, MONDO:0017990.

Submission:

All of Us Research Program, National Institutes of Health
Classification: Uncertain significance for Catecholaminergic polymorphic ventricular tachycardia. Last evaluated: 2023-02-15. Review status: criteria provided, single submitter. Criteria: ACMG Guidelines, 2015. Collection method: clinical testing. Allele origin: germline. Inheritance: Autosomal dominant inheritance. Observed: 1 variant allele, 1 heterozygote.
Comment: This missense variant replaces glutamine with proline at codon 2754 of the RYR2 protein. Computational prediction suggests that this variant may have deleterious impact on protein structure and function (internally defined REVEL score threshold >= 0.7, PMID: 27666373). To our knowledge, functional studies have not been reported for this variant. This variant has not been reported in individuals affected with RYR2-related disorders in the literature. This variant has not been identified in the general population by the Genome Aggregation Database (gnomAD). The available evidence is insufficient to determine the role of this variant in disease conclusively. Therefore, this variant is classified as a Variant of Uncertain Significance.

This study involves interpretation of variants in research participants for the purpose of population health screening. Participant phenotype was not available at the time of variant classification. Additional details can be found in publication PMID: 35346344, PMCID: PMC8962531